The following is an entry in ClinVar:

NM_007294.4(BRCA1):c.2627G>C (p.Gly876Ala)

Gene: BRCA1 (BRCA1 DNA repair associated; minus strand). Cytogenetic location: 17q21.31.
Variant type: single nucleotide variant.
Coding change: c.2627G>C on transcript NM_007294.4 (MANE Select); coding-DNA position 2627, G replaced by C.
Protein change: p.Gly876Ala; replaces glycine 876 with alanine.
Molecular consequence: missense variant. On other transcripts: intron variant (137).
Genome position (GRCh38, 1-based): chr17:43,092,904, C>G on the plus strand (G>C on the coding strand, the complement: BRCA1 is on the minus strand). VCF-style: chr17-43092904-C-G. GRCh37 (hg19) VCF-style: chr17-41244921-C-G.
Other names: c.788-765G>C (NM_001407969.1, NM_001407968.1); c.643+1840G>C (NM_001408468.1, NM_001408470.1, NM_001408464.1 and 3 more transcripts); c.577+1840G>C (NM_001408492.1, NM_001408513.1, NM_001408481.1 and 9 more transcripts); c.523+1840G>C (NM_001408501.1, NM_001408500.1, NM_001408497.1 and 3 more transcripts); c.646+1840G>C (NM_001408455.1, NM_001408466.1, NM_001408452.1 and 11 more transcripts); c.520+1840G>C (NM_001408503.1, NM_001408505.1, NM_001408504.1); c.787+1840G>C (NM_001407973.1, NM_001407980.1, NM_001407993.1 and 17 more transcripts); c.461-1872G>C (NM_001408507.1, NM_001408506.1); and 41 more; short protein forms G580A, G708A, G748A, G749A, G764A, G765A, G787A, G788A.
Identifiers: ClinVar variation 4800844 (VCV004800844.1).

ClinVar aggregate classification (germline): Uncertain significance (1 of 4 stars; one submission).

Conditions:
Hereditary breast ovarian cancer syndrome. Also called: Hereditary breast and ovarian cancer syndrome (HBOC); Hereditary breast and ovarian cancer; Breast and ovarian cancer; Hereditary breast and/or ovarian cancer syndrome; BRCA1- and BRCA2-Associated Hereditary Breast and Ovarian Cancer; Hereditary breast and ovarian cancer syndrome. Identifiers: Orphanet 145, MedGen C0677776, MeSH D061325, MONDO:0003582. Disease mechanism: loss of function.

gnomAD v4.1: 1 of 1,613,892 alleles (0.000062%); highest among the groups gnomAD compares: Non-Finnish European, 0.000085%; no homozygotes.

Submission:

Labcorp Genetics (formerly Invitae), Labcorp
Classification: Uncertain significance for Hereditary breast ovarian cancer syndrome. Last evaluated: 2025-12-29. Review status: criteria provided, single submitter. Criteria: Invitae Variant Classification Sherloc (09022015). Collection method: clinical testing. Allele origin: germline.
Comment: This sequence change replaces glycine, which is neutral and non-polar, with alanine, which is neutral and non-polar, at codon 876 of the BRCA1 protein (p.Gly876Ala). This variant is not present in population databases (gnomAD no frequency). This variant has not been reported in the literature in individuals affected with BRCA1-related conditions. Invitae Evidence Modeling of protein sequence and biophysical properties (such as structural, functional, and spatial information, amino acid conservation, physicochemical variation, residue mobility, and thermodynamic stability) indicates that this missense variant is not expected to disrupt BRCA1 protein function with a negative predictive value of 80%. In summary, the available evidence is currently insufficient to determine the role of this variant in disease. Therefore, it has been classified as a Variant of Uncertain Significance.